The following is an entry in ClinVar:

NM_001197104.2(KMT2A):c.2327T>C (p.Val776Ala)

Gene: KMT2A (lysine methyltransferase 2A; plus strand). Cytogenetic location: 11q23.3.
Variant type: single nucleotide variant.
Coding change: c.2327T>C on transcript NM_001197104.2 (MANE Select); coding-DNA position 2327, T replaced by C.
Protein change: p.Val776Ala; replaces valine 776 with alanine.
Molecular consequence: missense variant.
Genome position (GRCh38, 1-based): chr11:118,473,486, T>C. VCF-style: chr11-118473486-T-C. GRCh37 (hg19) VCF-style: chr11-118344201-T-C.
Other names: c.2327T>C, p.Val776Ala (NM_005933.4); short protein forms V776A.
Identifiers: ClinVar variation 1027820 (VCV001027820.6), dbSNP rs782746928, ClinGen allele CA382814523.

ClinVar aggregate classification (germline): Uncertain significance. Review status: criteria provided, multiple submitters, no conflicts (2 of 4 stars). 3 submissions from 3 submitters: Uncertain significance (3). Last evaluated 2024-02-25.

Conditions:
Wiedemann-Steiner syndrome (WDSTS). Also called: Growth deficiency and mental retardation with facial dysmorphism. Identifiers: Orphanet 319182, MedGen C1854630, MONDO:0011518, OMIM 605130.

Allele frequency attached by ClinVar (database versions not stated): gnomAD exomes below 0.00001; TOPMed 0.00001; gnomAD 0.00003.
gnomAD v4.1: 7 of 1,614,086 alleles (0.00043%); highest among the groups gnomAD compares: Admixed American, 0.0067%; no homozygotes.

Submissions (3):

GeneDx
Classification: Uncertain significance. Last evaluated: 2024-02-25. Review status: criteria provided, single submitter. Criteria: GeneDx Variant Classification Process June 2021. Collection method: clinical testing. Allele origin: germline. Affected: yes.
Comment: Not observed at significant frequency in large population cohorts (gnomAD); In silico analysis supports that this missense variant does not alter protein structure/function; Has not been previously published as pathogenic or benign to our knowledge; This variant is associated with the following publications: (PMID: 35727845)

Labcorp Genetics (formerly Invitae), Labcorp
Classification: Uncertain significance. Last evaluated: 2023-12-11. Review status: criteria provided, single submitter. Criteria: Invitae Variant Classification Sherloc (09022015). Collection method: clinical testing. Allele origin: germline.
Comment: This sequence change replaces valine, which is neutral and non-polar, with alanine, which is neutral and non-polar, at codon 776 of the KMT2A protein (p.Val776Ala). This variant is not present in population databases (gnomAD no frequency). This variant has not been reported in the literature in individuals affected with KMT2A-related conditions. ClinVar contains an entry for this variant (Variation ID: 1027820). Advanced modeling of protein sequence and biophysical properties (such as structural, functional, and spatial information, amino acid conservation, physicochemical variation, residue mobility, and thermodynamic stability) performed at Invitae indicates that this missense variant is not expected to disrupt KMT2A protein function with a negative predictive value of 95%. In summary, the available evidence is currently insufficient to determine the role of this variant in disease. Therefore, it has been classified as a Variant of Uncertain Significance.

Baylor Genetics
Classification: Uncertain significance for Wiedemann-Steiner syndrome. Last evaluated: 2022-11-02. Review status: criteria provided, single submitter. Criteria: ACMG Guidelines, 2015. Collection method: clinical testing. Allele origin: unknown.